The following is an entry in ClinVar:

ClinVar aggregate classification (germline): Pathogenic (1 of 4 stars; one submission).

Conditions:
Fabry disease. Also called: ALPHA-GALACTOSIDASE A DEFICIENCY; ANDERSON-FABRY DISEASE; CERAMIDE TRIHEXOSIDASE DEFICIENCY; GLA DEFICIENCY; HEREDITARY DYSTOPIC LIPIDOSIS; Angiokeratoma corporis diffusum. Identifiers: Orphanet 324, MedGen C0002986, MONDO:0010526, OMIM 301500, HP:0001071. Disease mechanism: Fabry disease is due to inactivating mutations in the X-linked GLA gene resulting in deficiency of the enzyme Alpha Galactosidase-A., loss of function.

Submission:

Genomenon, Inc
Classification: Pathogenic for Fabry disease. Last evaluated: 2026-09-08. Review status: criteria provided, single submitter. Criteria: Genomenon Sequence Variant Interpretation Standards - Updated. Collection method: curation. Allele origin: germline. Affected: yes.
Comment: GLA p.Ile367SerfsTer24 (c.1098del) is a frameshift variant that is predicted to introduce a premature termination codon and result in a truncated or absent protein product. This variant has been observed in at least one proband with clinical features consistent with Fabry disease (PMID:27560961). The variant was found to segregate with disease in at least one affected family (PMID:27560961). Functional or patient cell studies have been reported (PMID:27560961). It is absent or not present at a significant frequency in gnomAD. In conclusion, we classify GLA p.Ile367SerfsTer24 (c.1098del) as a pathogenic variant.

Literature cited by the submitters: PubMed 27560961.

NM_000169.3(GLA):c.1098del (p.Ile367fs)

Genes: GLA (galactosidase alpha; minus strand), RPL36A-HNRNPH2 (RPL36A-HNRNPH2 readthrough; plus strand). Cytogenetic location: Xq22.1.
Variant type: Deletion.
Coding change: c.1098del on transcript NM_000169.3 (MANE Select); coding-DNA position 1098, one base deleted (C; older notation c.1098delC).
Protein change: p.Ile367fs; shifts the reading frame from isoleucine 367.
Molecular consequence: frameshift variant. On other transcripts: non-coding transcript variant (3), intron variant (2).
Genome position (GRCh38, 1-based): chrX:101,398,001, G deleted on the plus strand (C on the coding strand, the reverse complement: GLA is on the minus strand); the first of 2 consecutive G bases (chrX:101,398,001-101,398,002); deleting either gives the same sequence. VCF-style (leftmost placement, unchanged base first): chrX-101398000-TG-T. GRCh37 (hg19) VCF-style: chrX-100652988-TG-T.
Other names: c.1221del, p.Ile408fs (NM_001406747.1); c.300+2545del (NM_001199973.2); c.177+6180del (NM_001199974.2); short protein forms I367fs, I408fs.
Identifiers: ClinVar variation 4087062 (VCV004087062.2).